The following is an entry in ClinVar:

NM_000419.5(ITGA2B):c.189-319_236del

Gene: ITGA2B (integrin subunit alpha 2b; minus strand). Cytogenetic location: 17q21.31.
Variant type: Deletion.
Coding change: c.189-319_236del on transcript NM_000419.5 (MANE Select); 319 bases into the intron before coding-DNA position 189 through coding-DNA position 236, 367 bases deleted.
Molecular consequence: splice acceptor variant.
Genome position (GRCh38, 1-based): chr17:44,386,084-44,386,450, 367 bases deleted. GRCh37 (hg19): chr17:42,463,456-42,463,822.
Other names: NM_000419.5:c.189-319_236del.
Identifiers: ClinVar variation 3242391 (VCV003242391.1), dbSNP rs2510085513.

ClinVar aggregate classification (germline): Pathogenic (3 of 4 stars; one submission).

Conditions:
Glanzmann thrombasthenia. Also called: PLATELET GLYCOPROTEIN IIb-IIIa DEFICIENCY; Thrombasthenia; Glanzmann's thrombasthenia; BLEEDING DISORDER, PLATELET-TYPE, 2; THROMBASTHENIA OF GLANZMANN AND NAEGELI. Identifiers: Orphanet 849, MedGen C0040015, MONDO:0100326.

Submission:

ClinGen Platelet Disorders Variant Curation Expert Panel, ClinGen
Classification: Pathogenic for Glanzmann thrombasthenia. Last evaluated: 2024-02-20. Review status: reviewed by expert panel. Criteria: ClinGen Platelet ACMG Specifications v2-1. Collection method: curation. Allele origin: germline. Inheritance: Autosomal recessive inheritance.
Comment: The c.189-319_236del variant in ITGA2B is an intronic variant which occurs within the canonical splice acceptor site of intron 1. It is predicted to cause skipping of biologically-relevant-exon 2, resulting in a frameshift with a premature stop codon in exon 3/15, leading to nonsense mediated decay in a gene in which loss-of-function is an established disease mechanism (PVS1; PMID 31029159). This variant has been detected in at least 2 probands with Glanzmann thrombasthenia. 2 probands were homozygous for the variant (1PM3 point, PMIDs: 31029159). Total points: 1 (PM3_Moderate). This variant is absent from gnomAD SVs v4 (PM2_Supporting). In summary, this variant meets the criteria to be classified as pathogenic for autosomal recessive Glanzmann Thrombasthenia based on the ACMG/AMP criteria applied, as specified by the ClinGen PD VCEP: PVS1, PM3, PM2.